The following is an entry in ClinVar:

NM_001394062.1(MACF1):c.17633G>A (p.Arg5878His)

Gene: MACF1 (microtubule actin crosslinking factor 1; plus strand). Cytogenetic location: 1p34.3.
Variant type: single nucleotide variant.
Coding change: c.17633G>A on transcript NM_001394062.1 (MANE Select); coding-DNA position 17633, G replaced by A.
Protein change: p.Arg5878His; replaces arginine 5878 with histidine.
Molecular consequence: missense variant.
Genome position (GRCh38, 1-based): chr1:39,434,481, G>A. VCF-style: chr1-39434481-G-A. GRCh37 (hg19) VCF-style: chr1-39900153-G-A.
Other names: c.5702G>A, p.Arg1901His (NM_001397473.1); c.11447G>A, p.Arg3816His (NM_012090.5); short protein forms R3816H, R1901H, R5878H.
Identifiers: ClinVar variation 2959330 (VCV002959330.25), dbSNP rs368717141, ClinGen allele CA783680.

ClinVar aggregate classification (germline): Conflicting classifications of pathogenicity. Review status: criteria provided, conflicting classifications (1 of 4 stars). 2 submissions from 2 submitters: Uncertain significance (1); Likely benign (1). Last evaluated 2025-04-01.

Allele frequency attached by ClinVar (database versions not stated): gnomAD 0.00001; ExAC 0.00003; ESP Exome Variant Server 0.00008.
gnomAD v4.1: 18 of 1,608,808 alleles (0.0011%); highest among the groups gnomAD compares: South Asian, 0.0022%; no homozygotes.

Submissions (2):

CeGaT Center for Human Genetics Tuebingen
Classification: Likely benign. Last evaluated: 2025-04-01. Review status: criteria provided, single submitter. Criteria: CeGaT Center For Human Genetics Tuebingen Variant Classification Criteria Version 2. Collection method: clinical testing. Allele origin: germline. Affected: yes. Observed: 2 variant alleles.
Comment: MACF1: BP4

Labcorp Genetics (formerly Invitae), Labcorp
Classification: Uncertain significance. Last evaluated: 2023-09-01. Review status: criteria provided, single submitter. Criteria: Invitae Variant Classification Sherloc (09022015). Collection method: clinical testing. Allele origin: germline.
Comment: This sequence change replaces arginine, which is basic and polar, with histidine, which is basic and polar, at codon 3816 of the MACF1 protein (p.Arg3816His). In summary, the available evidence is currently insufficient to determine the role of this variant in disease. Therefore, it has been classified as a Variant of Uncertain Significance. An algorithm developed to predict the effect of missense changes on protein structure and function (PolyPhen-2) suggests that this variant is likely to be disruptive. This variant has not been reported in the literature in individuals affected with MACF1-related conditions. This variant is present in population databases (rs368717141, gnomAD 0.004%).